The following is an entry in ClinVar:

ClinVar aggregate classification (germline): Likely benign. Review status: criteria provided, multiple submitters, no conflicts (2 of 4 stars). 3 submissions from 3 submitters: Likely benign (3). Last evaluated 2025-03-01.

Allele frequency attached by ClinVar (database versions not stated): 1000 Genomes Project 30x 0.00078; 1000 Genomes Project 0.00100; TOPMed 0.00340; gnomAD 0.00342 and 0.00347; ExAC 0.00402; gnomAD exomes 0.00412; ESP Exome Variant Server 0.00485.
gnomAD v4.1: 7,494 of 1,608,408 alleles (0.47%); highest among the groups gnomAD compares: Non-Finnish European, 0.52%; 24 homozygotes.

Submissions (3):

CeGaT Center for Human Genetics Tuebingen
Classification: Likely benign. Last evaluated: 2025-03-01. Review status: criteria provided, single submitter. Criteria: CeGaT Center For Human Genetics Tuebingen Variant Classification Criteria Version 2. Collection method: clinical testing. Allele origin: germline. Affected: yes. Observed: 1 variant allele.
Comment: HAS1: BS2

Labcorp Genetics (formerly Invitae), Labcorp
Classification: Likely benign. Last evaluated: 2019-12-31. Review status: criteria provided, single submitter. Criteria: Invitae Variant Classification Sherloc (09022015). Collection method: clinical testing. Allele origin: germline.

Breakthrough Genomics
Classification: Likely benign. Review status: criteria provided, single submitter. Criteria: ACMG Guidelines, 2015. Collection method: not provided. Allele origin: germline. Inheritance: Unknown mechanism. Affected: yes.

NM_001297436.2(HAS1):c.1240G>A (p.Val414Met)

Gene: HAS1 (hyaluronan synthase 1; minus strand). Cytogenetic location: 19q13.41.
Variant type: single nucleotide variant.
Coding change: c.1240G>A on transcript NM_001297436.2 (MANE Select); coding-DNA position 1240, G replaced by A.
Protein change: p.Val414Met; replaces valine 414 with methionine.
Molecular consequence: missense variant.
Genome position (GRCh38, 1-based): chr19:51,713,921, C>T on the plus strand (G>A on the coding strand, the complement: HAS1 is on the minus strand). VCF-style: chr19-51713921-C-T. GRCh37 (hg19) VCF-style: chr19-52217174-C-T.
Other names: c.1243G>A, p.Val415Met (NM_001523.4); short protein forms V414M, V415M.
Identifiers: ClinVar variation 729825 (VCV000729825.12), dbSNP rs45625331, ClinGen allele CA9615925.